The following is an entry in ClinVar:

NM_001005498.4(RHBDF2):c.2452G>A (p.Glu818Lys)

Gene: RHBDF2 (rhomboid 5 homolog 2; minus strand). Cytogenetic location: 17q25.1.
Variant type: single nucleotide variant.
Coding change: c.2452G>A on transcript NM_001005498.4 (MANE Select); coding-DNA position 2452, G replaced by A.
Protein change: p.Glu818Lys; replaces glutamic acid 818 with lysine.
Molecular consequence: missense variant. On other transcripts: non-coding transcript variant (3).
Genome position (GRCh38, 1-based): chr17:76,471,665, C>T on the plus strand (G>A on the coding strand, the complement: RHBDF2 is on the minus strand). VCF-style: chr17-76471665-C-T. GRCh37 (hg19) VCF-style: chr17-74467747-C-T.
Other names: c.2452G>A, p.Glu818Lys (NM_001376228.1, NM_001376229.1, NM_001376230.1); c.2539G>A, p.Glu847Lys (NM_024599.5); short protein forms E818K, E847K.
Identifiers: ClinVar variation 2678362 (VCV002678362.4), dbSNP rs751079223, ClinGen allele CA8786664.
Genomic context (GRCh38, chr17:76,471,665, plus strand): 5'-GCTGAGGGGCAGCCGTGTGGCCCAGCGGTCAGTGCAGCACCTGGTCCAGCTCATACTTCT[C>T]GCAGAAGCGGCTGGTGAAGGGGAAGCAGGTGAGGTGCTCGATCCAGGGCCAGTTAATGGG-3'
Protein context (NP_001005498.2, residues 808-827): TCFPFTSRFC[Glu818Lys]KYELDQVLH

ClinVar aggregate classification (germline): Uncertain significance. Review status: criteria provided, multiple submitters, no conflicts (2 of 4 stars). 3 submissions from 3 submitters: Uncertain significance (3). Last evaluated 2025-09-24.

Conditions:
Palmoplantar keratoderma-esophageal carcinoma syndrome (TOC). Also called: Tylosis with Esophageal Cancer; PALMOPLANTAR KERATODERMA WITH ESOPHAGEAL CANCER; KERATOSIS PALMARIS ET PLANTARIS WITH ESOPHAGEAL CANCER. Identifiers: Orphanet 2198, MedGen C1835664, MONDO:0007856, OMIM 148500.
Inborn genetic diseases. Identifiers: MedGen C0950123, MeSH D030342.

Allele frequency attached by ClinVar (database versions not stated): TOPMed below 0.00001; ExAC 0.00001; gnomAD 0.00001; gnomAD exomes 0.00001.
gnomAD v4.1: 12 of 1,608,510 alleles (0.00075%); highest among the groups gnomAD compares: East Asian, 0.0067%; no homozygotes.

Submissions (3):

Ambry Genetics
Classification: Uncertain significance for Inborn genetic diseases. Last evaluated: 2025-09-24. Review status: criteria provided, single submitter. Criteria: Ambry Variant Classification Scheme 2023. Collection method: clinical testing. Allele origin: germline.

Labcorp Genetics (formerly Invitae), Labcorp
Classification: Uncertain significance. Last evaluated: 2024-02-05. Review status: criteria provided, single submitter. Criteria: Invitae Variant Classification Sherloc (09022015). Collection method: clinical testing. Allele origin: germline.
Comment: This sequence change replaces glutamic acid, which is acidic and polar, with lysine, which is basic and polar, at codon 847 of the RHBDF2 protein (p.Glu847Lys). This variant is present in population databases (rs751079223, gnomAD 0.01%). This variant has not been reported in the literature in individuals affected with RHBDF2-related conditions. An algorithm developed to predict the effect of missense changes on protein structure and function (PolyPhen-2) suggests that this variant is likely to be tolerated. In summary, the available evidence is currently insufficient to determine the role of this variant in disease. Therefore, it has been classified as a Variant of Uncertain Significance.

Baylor Genetics
Classification: Uncertain significance for Palmoplantar keratoderma-esophageal carcinoma syndrome. Last evaluated: 2023-07-27. Review status: criteria provided, single submitter. Criteria: ACMG Guidelines, 2015. Collection method: clinical testing. Allele origin: unknown.